The following is an entry in ClinVar:

ClinVar aggregate classification (germline): Uncertain significance (1 of 4 stars; one submission).

Allele frequency attached by ClinVar (database versions not stated): gnomAD exomes 0.00002.

Submission:

Labcorp Genetics (formerly Invitae), Labcorp
Classification: Uncertain significance. Last evaluated: 2026-01-16. Review status: criteria provided, single submitter. Criteria: Invitae Variant Classification Sherloc (09022015). Collection method: clinical testing. Allele origin: germline.
Comment: This sequence change replaces lysine, which is basic and polar, with glutamic acid, which is acidic and polar, at codon 1068 of the ERCC6L2 protein (p.Lys1068Glu). This variant is not present in population databases (gnomAD no frequency). This variant has not been reported in the literature in individuals affected with ERCC6L2-related conditions. ClinVar contains an entry for this variant (Variation ID: 1515515). Experimental studies and prediction algorithms are not available or were not evaluated, and the functional significance of this variant is currently unknown. In summary, the available evidence is currently insufficient to determine the role of this variant in disease. Therefore, it has been classified as a Variant of Uncertain Significance.

NM_020207.7(ERCC6L2):c.3169A>G (p.Lys1057Glu)

Gene: ERCC6L2 (ERCC excision repair 6 like 2; plus strand). Cytogenetic location: 9q22.32.
Variant type: single nucleotide variant.
Coding change: c.3169A>G on transcript NM_020207.7 (MANE Select); coding-DNA position 3169, A replaced by G.
Protein change: p.Lys1057Glu; replaces lysine 1057 with glutamic acid.
Molecular consequence: missense variant. On other transcripts: non-coding transcript variant (1).
Genome position (GRCh38, 1-based): chr9:95,972,920, A>G. VCF-style: chr9-95972920-A-G. GRCh37 (hg19) VCF-style: chr9-98735202-A-G.
Other names: c.3169A>G, p.Lys1057Glu (NM_001375291.1, NM_001375292.1, NM_001375293.1 and 1 more transcripts); short protein forms K1057E.
Identifiers: ClinVar variation 1515515 (VCV001515515.6), dbSNP rs948201189, ClinGen allele CA196597814.